The following is an entry in ClinVar:

NM_001080510.5(METTL23):c.169_172del (p.His57fs)

Gene: METTL23 (methyltransferase 23, arginine; plus strand). Cytogenetic location: 17q25.1.
Variant type: Deletion.
Coding change: c.169_172del on transcript NM_001080510.5 (MANE Select); coding-DNA positions 169 to 172, 4 bases deleted (CACT; older notation c.169_172delCACT).
Protein change: p.His57fs; shifts the reading frame from histidine 57.
Molecular consequence: frameshift variant. On other transcripts: 5 prime UTR variant (5).
Genome position (GRCh38, 1-based): chr17:76,733,062-76,733,065, CACT deleted; deleting any 4 consecutive bases within chr17:76,733,060-76,733,065 gives the same sequence; the c. name uses the placement nearest the transcript's 3' end. VCF-style (leftmost placement, unchanged base first): chr17-76733059-CCTCA-C. GRCh37 (hg19) VCF-style: chr17-74729141-CCTCA-C.
Other names: c.169_172del (NM_001080510.4); c.169_172delCACT (NM_001080510.4); c.169_172del, p.His57fs (NM_001206983.3, NM_001206984.3, NM_001302703.2 and 2 more transcripts); c.-33_-30del (NM_001206985.3, NM_001206986.3, NM_001206987.3 and 2 more transcripts); c.157_160del, p.His53fs (NM_001302705.2, NM_001378350.1, NM_001378351.1 and 2 more transcripts); short protein forms H53fs, H57fs.
Identifiers: ClinVar variation 144023 (VCV000144023.25), dbSNP rs587777644, ClinGen allele CA170577.

ClinVar aggregate classification (germline): Pathogenic/Likely pathogenic. Review status: criteria provided, multiple submitters, no conflicts (2 of 4 stars). 11 submissions from 11 submitters: Pathogenic (8); Likely pathogenic (2). 1 of the submissions does not count toward it. Last evaluated 2025-08-12.

Conditions:
Inborn genetic diseases. Identifiers: MedGen C0950123, MeSH D030342.
METTL23-related disorders.
Intellectual developmental disorder, autosomal recessive 44. Also called: Intellectual disability, autosomal recessive 44. Identifiers: Orphanet 88616, MedGen C4014745, MONDO:0014409, OMIM 615942.
Intellectual disability. Also called: intellectual disabilities; Intellectual developmental disorder; Intellectual functioning disability. Identifiers: MedGen C3714756, MeSH D008607, MONDO:0001071, HP:0001249.

Submissions (11):

Ambry Genetics
Classification: Pathogenic for Inborn genetic diseases. Last evaluated: 2025-08-12. Review status: criteria provided, single submitter. Criteria: Ambry Variant Classification Scheme 2023. Collection method: clinical testing. Allele origin: germline.
Comment: The c.169_172delCACT (p.H57Vfs*11) alteration, located in exon 3 (coding exon 2) of the METTL23 gene, consists of a deletion of 4 nucleotides from position 169 to 172, causing a translational frameshift with a predicted alternate stop codon after 11 amino acids. This alteration is expected to result in loss of function by premature protein truncation or nonsense-mediated mRNA decay. Based on data from gnomAD, this allele has an overall frequency of 0.01% (26/268012) total alleles studied. The highest observed frequency was 0.026% (6/23152) of African alleles. This variant segregated with disease in at least one family with features consistent with METTL23-related neurodevelopmental disorder (Reiff, 2014). Based on the available evidence, this alteration is classified as pathogenic.

Dubai Health Genomic Medicine Center, Dubai Health
Classification: Pathogenic for Intellectual developmental disorder. Last evaluated: 2024-10-04. Review status: criteria provided, single submitter. Criteria: ACMG Guidelines, 2015. Collection method: research. Allele origin: germline. Affected: yes.
Comment: PVS1,PP1,PM2

Blueprint Genetics
Classification: Likely pathogenic for METTL23-related disorders. Last evaluated: 2024-09-16. Review status: criteria provided, single submitter. Criteria: ACMG Guidelines, 2015. Collection method: clinical testing. Allele origin: germline. Affected: yes. Observed: 5 variant alleles.

GeneDx
Classification: Pathogenic. Last evaluated: 2024-05-26. Review status: criteria provided, single submitter. Criteria: GeneDx Variant Classification Process June 2021. Collection method: clinical testing. Allele origin: germline. Affected: yes.
Comment: Frameshift variant predicted to result in protein truncation or nonsense mediated decay in a gene for which loss of function is a known mechanism of disease; This variant is associated with the following publications: (PMID: 27870114, 24626631, 32552793, 32860008, 37644014, 24501276)

Victorian Clinical Genetics Services, Murdoch Childrens Research Institute
Classification: Pathogenic for Intellectual developmental disorder, autosomal recessive 44. Last evaluated: 2022-02-02. Review status: criteria provided, single submitter. Criteria: ACMG Guidelines, 2015. Collection method: clinical testing. Allele origin: germline. Inheritance: Autosomal recessive inheritance.
Comment: Based on the classification scheme VCGS_Germline_v1.3.4, this variant is classified as Pathogenic. Following criteria are met: 0102 - Loss of function is a known mechanism of disease in this gene and is associated with METTL23-related intellectual disability (MIM#615942). (I) 0106 - This gene is associated with autosomal recessive disease. (I) 0201 - Variant is predicted to cause nonsense-mediated decay (NMD) and loss of protein (premature termination codon is located at least 54 nucleotides upstream of the final exon-exon junction). (SP) 0251 - This variant is heterozygous. (I) 0304 - Variant is present in gnomAD (v2) <0.01 for a recessive condition (26 heterozygotes, 0 homozygotes). (SP) 0702 - Other NMD-predicted variants comparable to the one identified in this case have strong previous evidence for pathogenicity. These variants have been classified as pathogenic, and observed in individuals with METTL23-related intellectual disability (ClinVar, LOVD, PMID: 24626631). (SP) 0801 - This variant has strong previous evidence of pathogenicity in unrelated individuals. This variant has been reported multiple times as pathogenic, and observed in a family with intellectual disability (ClinVar, PMID: 24501276). (SP) 0901 - This variant has strong evidence for segregation with disease. This variant has segregated in seven homozygous individuals within a single family (PMID: 24501276). (SP) 1102 - Strong phenotype match for this individual. (I) Legend: (SP) - Supporting pathogenic, (I) - Information, (SB) - Supporting benign

New York Genome Center
Classification: Pathogenic for Intellectual developmental disorder, autosomal recessive 44. Last evaluated: 2020-07-03. Review status: criteria provided, single submitter. Criteria: NYGC Assertion Criteria 2020. Collection method: clinical testing. Allele origin: inherited. Observed: 1 heterozygote. Study: CSER-NYCKidSeq.

Revvity Omics, Revvity
Classification: Pathogenic for Intellectual developmental disorder, autosomal recessive 44. Last evaluated: 2019-11-07. Review status: criteria provided, single submitter. Criteria: ACMG Guidelines, 2015. Collection method: clinical testing. Allele origin: germline.

Genetic Services Laboratory, University of Chicago
Classification: Likely pathogenic. Last evaluated: 2019-06-27. Review status: criteria provided, single submitter. Criteria: ACMG Guidelines, 2015. Collection method: clinical testing. Allele origin: germline. Affected: yes.
Comment: DNA sequence analysis of the METTL23 gene demonstrated a 4 base pair deletion in exon 3, c.169_172del. This sequence change results in an amino acid frameshift and creates a premature stop codon 10 amino acids downstream of the mutation, p.His57Valfs*11 (NM_001080510.3). This sequence change is predicted to result in an abnormal transcript, which may be degraded, or may lead to the production of a truncated METTL23 protein with potentially abnormal function. The METTL23 gene has 10 different transcripts and this sequence change is present in 6 of the 10 transcripts. In the remaining 4 transcripts, the variant falls within a non-coding region. This sequence change was identified in the homozygous state in multiple individuals with intellectual disability and dysmorphic features in a large, consanguineous family of Yemeni origin (PMID: 24501276). The c.169_172del sequence change has been described in the gnomAD database with a population frequency of 0.0097% (dbSNP rs1175461719); however, it has not been observed in the homozygous state in any individuals. These collective evidences indicate that this sequence change is likely pathogenic, however functional studies have not been performed to prove this conclusively.

CENTOGENE GmbH and LLC - Guiding Precision Medicine
Classification: Pathogenic for Intellectual developmental disorder, autosomal recessive 44. Review status: criteria provided, single submitter. Criteria: ACMG Guidelines, 2015. Collection method: clinical testing. Allele origin: germline. Affected: yes.

Molecular Genetics Lab, CHRU Brest
Classification: Pathogenic for Intellectual developmental disorder, autosomal recessive 44. Review status: criteria provided, single submitter. Criteria: ACMG Guidelines, 2015. Collection method: clinical testing. Allele origin: inherited. Affected: yes.

OMIM
Classification: Pathogenic for INTELLECTUAL DEVELOPMENTAL DISORDER, AUTOSOMAL RECESSIVE 44. Last evaluated: 2014-07-01. Review status: no assertion criteria provided. Collection method: literature only. Allele origin: germline. Not counted in ClinVar's aggregate classification.

Literature cited by the submitters: PubMed 24501276 (cited by 3 submitters); PubMed 24626631 (cited by Victorian Clinical Genetics Services, Murdoch Childrens Research Institute); PubMed 32860008 (cited by CENTOGENE GmbH and LLC - Guiding Precision Medicine).